The following is an entry in ClinVar:

NM_014740.4(EIF4A3):c.858C>T (p.Thr286=)

Gene: EIF4A3 (eukaryotic translation initiation factor 4A3; minus strand). Cytogenetic location: 17q25.3.
Variant type: single nucleotide variant.
Coding change: c.858C>T on transcript NM_014740.4 (MANE Select); coding-DNA position 858, C replaced by T.
Protein change: p.Thr286=; no amino-acid change (threonine 286 retained).
Molecular consequence: synonymous variant.
Genome position (GRCh38, 1-based): chr17:80,138,151, G>A on the plus strand (C>T on the coding strand, the complement: EIF4A3 is on the minus strand). VCF-style: chr17-80138151-G-A. GRCh37 (hg19) VCF-style: chr17-78111950-G-A.
Other names: c.795C>T, p.Thr265= (NM_001411099.1).
Identifiers: ClinVar variation 3038939 (VCV003038939.2), dbSNP rs763432971, ClinGen allele CA502173804.
Genomic context (GRCh38, chr17:80,138,151, plus strand): 5'-CTCAATCTGCAGTTTCCCTTCAGCACATGGATGCTGTGCAGTGCCTCTTACCTTTCTTTT[G>A]GTGTTGCAGAAGATGACCGCCTGAGTGATGGTCAGTGTGTCGTAGAGGTCACACAGAGTG-3'
Protein context (NP_055555.1, residues 276-296): TITQAVIFCN[Thr286=]KRKVDWLTEK

ClinVar aggregate classification (germline): Likely benign (0 of 4 stars; one submission).

Conditions:
EIF4A3-related disorder. Also called: EIF4A3-related condition.

Allele frequency attached by ClinVar (database versions not stated): TOPMed below 0.00001; gnomAD 0.00001.
gnomAD v4.1: 14 of 1,613,696 alleles (0.00087%); highest among the groups gnomAD compares: Non-Finnish European, 0.0011%; no homozygotes.

Submission:

PreventionGenetics, part of Exact Sciences
Classification: Likely benign for EIF4A3-related condition. Last evaluated: 2019-05-23. Review status: no assertion criteria provided. Collection method: clinical testing. Allele origin: germline.
Comment: This variant is classified as likely benign based on ACMG/AMP sequence variant interpretation guidelines (Richards et al. 2015 PMID: 25741868, with internal and published modifications).